The following is an entry in ClinVar:

ClinVar aggregate classification (germline): Pathogenic/Likely pathogenic. Review status: criteria provided, multiple submitters, no conflicts (2 of 4 stars). 6 submissions from 6 submitters: Pathogenic (2); Likely pathogenic (2). 2 of the submissions do not count toward it. Last evaluated 2024-04-26.

Conditions:
TPP1-related disorder. Also called: TPP1-related condition.
Neuronal ceroid lipofuscinosis. Also called: Neuronal Ceroid Lipofuscinoses. Identifiers: Orphanet 216, Orphanet 79263, MedGen C0027877, MONDO:0016295. Disease mechanism: loss of function.
Neuronal ceroid lipofuscinosis 2. Also called: JANSKY-BIELSCHOWSKY DISEASE NEURONAL CEROID LIPOFUSCINOSIS, LATE INFANTILE; TPP1-Related Neuronal Ceroid-Lipofuscinosis. Identifiers: Orphanet 168491, Orphanet 228349, Orphanet 79264, MedGen C1876161, MONDO:0008769, OMIM 204500.

Allele frequency attached by ClinVar (database versions not stated): gnomAD exomes below 0.00001; TOPMed below 0.00001; gnomAD 0.00001.
gnomAD v4.1: 2 of 1,614,070 alleles (0.00012%); highest among the groups gnomAD compares: Non-Finnish European, 0.00017%; no homozygotes.

Submissions (6):

Blueprint Genetics
Classification: Likely pathogenic for TPP1-related disorders. Last evaluated: 2024-04-26. Review status: criteria provided, single submitter. Criteria: ACMG Guidelines, 2015. Collection method: clinical testing. Allele origin: germline. Affected: yes. Observed: 4 variant alleles.

Women's Health and Genetics/Laboratory Corporation of America, LabCorp
Classification: Pathogenic for Neuronal ceroid lipofuscinosis. Last evaluated: 2024-03-12. Review status: criteria provided, single submitter. Criteria: LabCorp Variant Classification Summary - May 2015. Collection method: clinical testing. Allele origin: germline.
Comment: Variant summary: TPP1 c.1093T>C (p.Cys365Arg) results in a non-conservative amino acid change located in the Peptidase S8/S53 domain (IPR000209) of the encoded protein sequence. Another missense variant altering this residue (p.Cys365Tyr) has been classified as pathogenic. Five of five in-silico tools predict a damaging effect of the variant on protein function. The variant was absent in 251462 control chromosomes (gnomAD). c.1093T>C has been reported in the literature in individuals affected with Neuronal Ceroid-Lipofuscinosis (Batten Disease) or epilepsy (e.g. Sleat_1999, Lindy_2018, Nickel_2018, Haviland_2023). These data indicate that the variant is likely to be associated with disease. At least one publication reports experimental evidence evaluating an impact on protein function, finding that the variant results in the complete loss of enzymatic activity (Walus_2010). The following publications have been ascertained in the context of this evaluation (PMID: 10330339, 20340139, 29655203, 36403551, 30119717). ClinVar contains an entry for this variant (Variation ID: 2641). Based on the evidence outlined above, the variant was classified as pathogenic.

Labcorp Genetics (formerly Invitae), Labcorp
Classification: Pathogenic. Last evaluated: 2024-01-16. Review status: criteria provided, single submitter. Criteria: Invitae Variant Classification Sherloc (09022015). Collection method: clinical testing. Allele origin: germline.
Comment: This sequence change replaces cysteine, which is neutral and slightly polar, with arginine, which is basic and polar, at codon 365 of the TPP1 protein (p.Cys365Arg). This variant is present in population databases (rs119455953, gnomAD 0.007%). This missense change has been observed in individual(s) with TPP1-related conditions (PMID: 10330339). This variant is also known as 4654T>C. ClinVar contains an entry for this variant (Variation ID: 2641). Advanced modeling of protein sequence and biophysical properties (such as structural, functional, and spatial information, amino acid conservation, physicochemical variation, residue mobility, and thermodynamic stability) performed at Invitae indicates that this missense variant is expected to disrupt TPP1 protein function with a positive predictive value of 95%. Experimental studies have shown that this missense change affects TPP1 function (PMID: 20340139). This variant disrupts the p.Cys365 amino acid residue in TPP1. Other variant(s) that disrupt this residue have been determined to be pathogenic (PMID: 9788728, 10330339, 26075876). This suggests that this residue is clinically significant, and that variants that disrupt this residue are likely to be disease-causing. For these reasons, this variant has been classified as Pathogenic.

PreventionGenetics, part of Exact Sciences
Classification: Likely pathogenic for TPP1-related condition. Last evaluated: 2023-07-30. Review status: criteria provided, single submitter. Criteria: ACMG Guidelines, 2015. Collection method: clinical testing. Allele origin: germline.
Comment: The TPP1 c.1093T>C variant is predicted to result in the amino acid substitution p.Cys365Arg. This variant has been reported in individuals with TPP1-related autosomal recessive disorders, and functional studies support its pathogenicity (Sleat et al. 1997. PubMed ID: 9295267; Walus et al. 2010. PubMed ID: 20340139; Lindy et al. 2018. PubMed ID: 29655203; Sleat et al. 1999. PubMed ID: 10330339). This variant is reported in 0.0065% of alleles in individuals of European (Non-Finnish) descent in gnomAD. An alternate missense variant at the same amino acid position has been reported as causative (p.Cys365Tyr; Sleat et al. 1999. PubMed ID: 10330339). This variant is interpreted as likely pathogenic.

OMIM
Classification: Pathogenic for CEROID LIPOFUSCINOSIS, NEURONAL, 2. Last evaluated: 1997-09-19. Review status: no assertion criteria provided. Collection method: literature only. Allele origin: germline. Not counted in ClinVar's aggregate classification.

UniProtKB/Swiss-Prot
No classification provided. Condition: Ceroid lipofuscinosis, neuronal, 2. Review status: no classification provided. Collection method: not provided. Allele origin: not provided. Not counted in ClinVar's aggregate classification.

Literature cited by the submitters: PubMed 10330339 (cited by Women's Health and Genetics/Laboratory Corporation of America, LabCorp and Labcorp Genetics (formerly Invitae), Labcorp); PubMed 20340139 (cited by Women's Health and Genetics/Laboratory Corporation of America, LabCorp and Labcorp Genetics (formerly Invitae), Labcorp); PubMed 30119717 (cited by Women's Health and Genetics/Laboratory Corporation of America, LabCorp); PubMed 29655203 (cited by Women's Health and Genetics/Laboratory Corporation of America, LabCorp); PubMed 36403551 (cited by Women's Health and Genetics/Laboratory Corporation of America, LabCorp); PubMed 9788728 (cited by Labcorp Genetics (formerly Invitae), Labcorp); PubMed 26075876 (cited by Labcorp Genetics (formerly Invitae), Labcorp); PubMed 9295267 (cited by OMIM).

NM_000391.4(TPP1):c.1093T>C (p.Cys365Arg)

Gene: TPP1 (tripeptidyl peptidase 1; minus strand). Cytogenetic location: 11p15.4.
Variant type: single nucleotide variant.
Coding change: c.1093T>C on transcript NM_000391.4 (MANE Select); coding-DNA position 1093, T replaced by C.
Protein change: p.Cys365Arg; replaces cysteine 365 with arginine.
Molecular consequence: missense variant.
Genome position (GRCh38, 1-based): chr11:6,616,057, A>G on the plus strand (T>C on the coding strand, the complement: TPP1 is on the minus strand). VCF-style: chr11-6616057-A-G. GRCh37 (hg19) VCF-style: chr11-6637288-A-G.
Other names: 4654T>C; short protein forms C365R.
Identifiers: ClinVar variation 2641 (VCV000002641.14), dbSNP rs119455953, ClinGen allele CA252376.
Genomic context (GRCh38, chr11:6,616,057, plus strand): 5'-GTACTTACCTGGAGGCAGGGAAGGTAGGGCGGAACTGGTGTCTTCCAGAGACAGACCAAC[A>G]CCCGGCCCCACTGTCACCTGAGAGAGACCAAGTGTAGCATTCATATTAATTGGTTAGGGC-3'
Protein context (NP_000382.3, residues 355-375): LFASGDSGAG[Cys365Arg]WSVSGRHQFR